The following is an entry in ClinVar:

ClinVar aggregate classification (germline): Uncertain significance (1 of 4 stars; one submission).

Conditions:
Anauxetic dysplasia. Identifiers: Orphanet 93347, MedGen C1846796, MONDO:0011773.

Submission:

Labcorp Genetics (formerly Invitae), Labcorp
Classification: Uncertain significance for Anauxetic dysplasia. Last evaluated: 2022-07-20. Review status: criteria provided, single submitter. Criteria: Invitae Variant Classification Sherloc (09022015). Collection method: clinical testing. Allele origin: germline.
Comment: This variant occurs in the RMRP gene, which encodes an RNA molecule that does not result in a protein product. This variant is not present in population databases (gnomAD no frequency). This variant has not been reported in the literature in individuals affected with RMRP-related conditions. Experimental studies and prediction algorithms are not available or were not evaluated, and the functional significance of this variant is currently unknown. In summary, the available evidence is currently insufficient to determine the role of this variant in disease. Therefore, it has been classified as a Variant of Uncertain Significance.

NC_000009.12:g.35657880G>C

Gene: RMRP (RNA component of mitochondrial RNA processing endoribonuclease; minus strand). Cytogenetic location: 9p13.3.
Variant type: single nucleotide variant.
Genome position: GRCh38 VCF-style: chr9-35657880-G-C. GRCh37 (hg19) VCF-style: chr9-35657877-G-C.
Identifiers: ClinVar variation 2419923 (VCV002419923.9), dbSNP rs746248517, ClinGen allele CA464450717.